The following is an entry in ClinVar:

ClinVar aggregate classification (germline): Uncertain significance (1 of 4 stars; one submission).

Submission:

Labcorp Genetics (formerly Invitae), Labcorp
Classification: Uncertain significance. Last evaluated: 2025-08-21. Review status: criteria provided, single submitter. Criteria: Invitae Variant Classification Sherloc (09022015). Collection method: clinical testing. Allele origin: germline.
Comment: This sequence change replaces methionine, which is neutral and non-polar, with arginine, which is basic and polar, at codon 311 of the COL17A1 protein (p.Met311Arg). This variant is not present in population databases (gnomAD no frequency). This variant has not been reported in the literature in individuals affected with COL17A1-related conditions. ClinVar contains an entry for this variant (Variation ID: 2806916). Invitae Evidence Modeling of protein sequence and biophysical properties (such as structural, functional, and spatial information, amino acid conservation, physicochemical variation, residue mobility, and thermodynamic stability) indicates that this missense variant is not expected to disrupt COL17A1 protein function with a negative predictive value of 80%. In summary, the available evidence is currently insufficient to determine the role of this variant in disease. Therefore, it has been classified as a Variant of Uncertain Significance.

NM_000494.4(COL17A1):c.932T>G (p.Met311Arg)

Gene: COL17A1 (collagen type XVII alpha 1 chain; minus strand). Cytogenetic location: 10q25.1.
Variant type: single nucleotide variant.
Coding change: c.932T>G on transcript NM_000494.4 (MANE Select); coding-DNA position 932, T replaced by G.
Protein change: p.Met311Arg; replaces methionine 311 with arginine.
Molecular consequence: missense variant.
Genome position (GRCh38, 1-based): chr10:104,061,452, A>C on the plus strand (T>G on the coding strand, the complement: COL17A1 is on the minus strand). VCF-style: chr10-104061452-A-C. GRCh37 (hg19) VCF-style: chr10-105821210-A-C.
Other names: short protein forms M311R.
Identifiers: ClinVar variation 2806916 (VCV002806916.3), dbSNP rs2493355938, ClinGen allele CA378076275.
Genomic context (GRCh38, chr10:104,061,452, plus strand): 5'-GAGCAGCACTCACCGGCGGAGGTGGAAACGCCAGTGTTCACAGCCGCAGGACTCTGGGGC[A>C]TGTTTTTCTTCACCCCATATGCTGCAAGAAAGGAAGCTGGGTCAGCATGGGAGGGTGGTT-3'
Protein context (NP_000485.3, residues 301-321): TSTAYGVKKN[Met311Arg]PQSPAAVNTG